The following is an entry in ClinVar:

NM_018249.6(CDK5RAP2):c.2794G>A (p.Glu932Lys)

Gene: CDK5RAP2 (CDK5 regulatory subunit associated protein 2; minus strand). Cytogenetic location: 9q33.2.
Variant type: single nucleotide variant.
Coding change: c.2794G>A on transcript NM_018249.6 (MANE Select); coding-DNA position 2794, G replaced by A.
Protein change: p.Glu932Lys; replaces glutamic acid 932 with lysine.
Molecular consequence: missense variant. On other transcripts: non-coding transcript variant (5).
Genome position (GRCh38, 1-based): chr9:120,448,126, C>T on the plus strand (G>A on the coding strand, the complement: CDK5RAP2 is on the minus strand). VCF-style: chr9-120448126-C-T. GRCh37 (hg19) VCF-style: chr9-123210404-C-T.
Other names: c.2794G>A, p.Glu932Lys (NM_001011649.3); c.2104G>A, p.Glu702Lys (NM_001272039.2); c.2695G>A, p.Glu899Lys (NM_001410992.1); c.2698G>A, p.Glu900Lys (NM_001410993.1); c.2791G>A, p.Glu931Lys (NM_001410994.1); short protein forms E931K, E899K, E900K, E702K, E932K.
Identifiers: ClinVar variation 4706970 (VCV004706970.1).
Genomic context (GRCh38, chr9:120,448,126, plus strand): 5'-ACATATTTCCTAATGACCGGGATGGTTTTATTAGGATTGGCAAGCGGGACTTCTTAGCCT[C>T]CTGAAAACACACATATGCAACAATGAATACACTTTGAACACACTTCCTTTGGTTGCACAG-3'
Protein context (NP_060719.4, residues 922-942): LLSLPGITNR[Glu932Lys]AKKSRLPILI

ClinVar aggregate classification (germline): Uncertain significance (1 of 4 stars; one submission).

gnomAD v4.1: 5 of 1,607,288 alleles (0.00031%); highest among the groups gnomAD compares: Non-Finnish European, 0.00043%; 1 homozygote.

Submission:

Labcorp Genetics (formerly Invitae), Labcorp
Classification: Uncertain significance. Last evaluated: 2025-03-13. Review status: criteria provided, single submitter. Criteria: Invitae Variant Classification Sherloc (09022015). Collection method: clinical testing. Allele origin: germline.
Comment: This sequence change replaces glutamic acid, which is acidic and polar, with lysine, which is basic and polar, at codon 932 of the CDK5RAP2 protein (p.Glu932Lys). This variant is present in population databases (no rsID available, gnomAD no frequency). This variant has not been reported in the literature in individuals affected with CDK5RAP2-related conditions. An algorithm developed to predict the effect of missense changes on protein structure and function (PolyPhen-2) suggests that this variant is likely to be tolerated. Algorithms developed to predict the effect of sequence changes on RNA splicing suggest that this variant may disrupt the consensus splice site. In summary, the available evidence is currently insufficient to determine the role of this variant in disease. Therefore, it has been classified as a Variant of Uncertain Significance.